The following is an entry in ClinVar:

NM_133178.4(PTPRU):c.1563+8T>G

Gene: PTPRU (protein tyrosine phosphatase receptor type U; plus strand). Cytogenetic location: 1p35.3.
Variant type: single nucleotide variant.
Coding change: c.1563+8T>G on transcript NM_133178.4 (MANE Select); 8 bases into the intron after coding-DNA position 1563, T replaced by G.
Molecular consequence: intron variant.
Genome position (GRCh38, 1-based): chr1:29,279,129, T>G. VCF-style: chr1-29279129-T-G. GRCh37 (hg19) VCF-style: chr1-29605641-T-G.
Other names: c.1563+8T>G (NM_005704.5, NM_133177.4, NM_001195001.2).
Identifiers: ClinVar variation 3035603 (VCV003035603.2), dbSNP rs1242145206, ClinGen allele CA522109729.

ClinVar aggregate classification (germline): Likely benign (0 of 4 stars; one submission).

Conditions:
PTPRU-related disorder. Also called: PTPRU-related condition.

Allele frequency attached by ClinVar (database versions not stated): TOPMed below 0.00001.

Submission:

PreventionGenetics, part of Exact Sciences
Classification: Likely benign for PTPRU-related condition. Last evaluated: 2019-08-13. Review status: no assertion criteria provided. Collection method: clinical testing. Allele origin: germline.
Comment: This variant is classified as likely benign based on ACMG/AMP sequence variant interpretation guidelines (Richards et al. 2015 PMID: 25741868, with internal and published modifications).